The following is an entry in ClinVar:

NM_000038.6(APC):c.4270C>T (p.Pro1424Ser)

Gene: APC (APC regulator of Wnt signaling pathway; plus strand). Cytogenetic location: 5q22.2.
Variant type: single nucleotide variant.
Coding change: c.4270C>T on transcript NM_000038.6 (MANE Select); coding-DNA position 4270, C replaced by T.
Protein change: p.Pro1424Ser; replaces proline 1424 with serine.
Molecular consequence: missense variant.
Genome position (GRCh38, 1-based): chr5:112,839,864, C>T. VCF-style: chr5-112839864-C-T. GRCh37 (hg19) VCF-style: chr5-112175561-C-T.
Other names: c.3997C>T, p.Pro1333Ser (NM_001354902.2); c.3790C>T, p.Pro1264Ser (NM_001354905.2); c.3967C>T, p.Pro1323Ser (NM_001354903.2); c.3421C>T, p.Pro1141Ser (NM_001354906.2); c.3892C>T, p.Pro1298Ser (NM_001354904.2); c.4270C>T, p.Pro1424Ser (NM_001127510.3, NM_001354895.2); c.4216C>T, p.Pro1406Ser (NM_001127511.3); c.4324C>T, p.Pro1442Ser (NM_001354896.2); and 5 more; short protein forms P1406S, P1424S, P1333S, P1383S, P1434S, P1264S, P1323S, P1396S.
Identifiers: ClinVar variation 482377 (VCV000482377.10), dbSNP rs1554085700, ClinGen allele CA16030688.

ClinVar aggregate classification (germline): Uncertain significance. Review status: criteria provided, multiple submitters, no conflicts (2 of 4 stars). 2 submissions from 2 submitters: Uncertain significance (2). Last evaluated 2022-05-11.

Conditions:
Hereditary cancer-predisposing syndrome. Also called: Neoplastic Syndromes, Hereditary; Tumor predisposition; Hereditary Cancer Syndrome; Hereditary neoplastic syndrome. Identifiers: Orphanet 140162, MedGen C0027672, MeSH D009386, MONDO:0015356.
Familial adenomatous polyposis 1 (FAP1). Also called: FAMILIAL ADENOMATOUS POLYPOSIS 1, ATTENUATED; POLYPOSIS, ADENOMATOUS INTESTINAL. Identifiers: MedGen C2713442, MONDO:0021056, OMIM 175100. Disease mechanism: loss of function.

Submissions (2):

Labcorp Genetics (formerly Invitae), Labcorp
Classification: Uncertain significance for Familial adenomatous polyposis 1. Last evaluated: 2022-05-11. Review status: criteria provided, single submitter. Criteria: Invitae Variant Classification Sherloc (09022015). Collection method: clinical testing. Allele origin: germline.
Comment: In summary, the available evidence is currently insufficient to determine the role of this variant in disease. Therefore, it has been classified as a Variant of Uncertain Significance. Algorithms developed to predict the effect of missense changes on protein structure and function are either unavailable or do not agree on the potential impact of this missense change (SIFT: "Deleterious"; PolyPhen-2: "Probably Damaging"; Align-GVGD: "Class C0"). ClinVar contains an entry for this variant (Variation ID: 482377). This variant has not been reported in the literature in individuals affected with APC-related conditions. This variant is not present in population databases (gnomAD no frequency). This sequence change replaces proline, which is neutral and non-polar, with serine, which is neutral and polar, at codon 1424 of the APC protein (p.Pro1424Ser).

Ambry Genetics
Classification: Uncertain significance for Hereditary cancer-predisposing syndrome. Last evaluated: 2016-07-06. Review status: criteria provided, single submitter. Criteria: Ambry Variant Classification Scheme 2023. Collection method: clinical testing. Allele origin: germline.
Comment: The p.P1424S variant (also known as c.4270C>T), located in coding exon 15 of the APC gene, results from a C to T substitution at nucleotide position 4270. The proline at codon 1424 is replaced by serine, an amino acid with similar properties. This variant was not reported in population based cohorts in the following databases: Database of Single Nucleotide Polymorphisms (dbSNP), NHLBI Exome Sequencing Project (ESP), and 1000 Genomes Project. In the ESP, this variant was not observed in 6502 samples (13004 alleles) with coverage at this position. To date, this alteration has been detected with an allele frequency of approximately 0.001% (greater than 90000 alleles tested) in our clinical cohort. This amino acid position is highly conserved in available vertebrate species. In addition, in silico predictors for this gene do not accurately predict pathogenicity. Since supporting evidence is limited at this time, the clinical significance of this alteration remains unclear.